The following is an entry in ClinVar:

ClinVar aggregate classification (germline): Uncertain significance (1 of 4 stars; one submission).

gnomAD v4.1: 3 of 1,608,200 alleles (0.00019%); highest among the groups gnomAD compares: African/African-American, 0.0027%; no homozygotes.

Submission:

GeneDx
Classification: Uncertain significance. Last evaluated: 2026-02-03. Review status: criteria provided, single submitter. Criteria: GeneDx Variant Classification Process June 2021. Collection method: clinical testing. Allele origin: germline.
Comment: Not observed at significant frequency in large population cohorts (gnomAD); In silico analysis supports that this missense variant has a deleterious effect on protein structure/function; Has not been previously published as pathogenic or benign to our knowledge

NM_022114.4(PRDM16):c.1090C>T (p.Arg364Trp)

Gene: PRDM16 (PR/SET domain 16; plus strand). Cytogenetic location: 1p36.32.
Variant type: single nucleotide variant.
Coding change: c.1090C>T on transcript NM_022114.4 (MANE Select); coding-DNA position 1090, C replaced by T.
Protein change: p.Arg364Trp; replaces arginine 364 with tryptophan.
Molecular consequence: missense variant.
Genome position (GRCh38, 1-based): chr1:3,405,552, C>T. VCF-style: chr1-3405552-C-T. GRCh37 (hg19) VCF-style: chr1-3322116-C-T.
Other names: c.1090C>T, p.Arg364Trp (NM_199454.3); short protein forms R364W.
Identifiers: ClinVar variation 4887898 (VCV004887898.1).
Genomic context (GRCh38, chr1:3,405,552, plus strand): 5'-CAGGTGTTCACGGACCCCAGCAACCTTCAGCGGCACATCCGCTCGCAGCACGTGGGCGCT[C>T]GGGCCCACGCCTGCCCCGACTGCGGGAAGACCTTCGCCACGTCCTCCGGCCTCAAGCAGC-3'
Protein context (NP_071397.3, residues 354-374): RHIRSQHVGA[Arg364Trp]AHACPDCGKT